The following is an entry in ClinVar:

NM_175875.5(SIX5):c.1782C>T (p.Ser594=)

Gene: SIX5 (SIX homeobox 5; minus strand). Cytogenetic location: 19q13.32.
Variant type: single nucleotide variant.
Coding change: c.1782C>T on transcript NM_175875.5 (MANE Select); coding-DNA position 1782, C replaced by T.
Protein change: p.Ser594=; no amino-acid change (serine 594 retained).
Molecular consequence: synonymous variant.
Genome position (GRCh38, 1-based): chr19:45,765,939, G>A on the plus strand (C>T on the coding strand, the complement: SIX5 is on the minus strand). VCF-style: chr19-45765939-G-A. GRCh37 (hg19) VCF-style: chr19-46269197-G-A.
Identifiers: ClinVar variation 4875498 (VCV004875498.2).
Genomic context (GRCh38, chr19:45,765,939, plus strand): 5'-TAGGGCGTGAGCCTCTGGGAGAGCAGGGCTGGGGGCCACCGGGAGGCCTCCCTCAGGCAC[G>A]GAGATGGCCGTCTCTGGCTTCAGTGGCAGGGCCAGGCCGGGGGCTGGCGGCAGGACCTGG-3'
Protein context (NP_787071.3, residues 584-604): ALPLKPETAI[Ser594=]VPEGGLPVAP

ClinVar aggregate classification (germline): Likely benign (1 of 4 stars; one submission).

gnomAD v4.1: 55 of 1,593,716 alleles (0.0035%); highest among the groups gnomAD compares: East Asian, 0.027%; no homozygotes.

Submission:

CeGaT Center for Human Genetics Tuebingen
Classification: Likely benign. Last evaluated: 2026-04-01. Review status: criteria provided, single submitter. Criteria: CeGaT Center For Human Genetics Tuebingen Variant Classification Criteria Version 2. Collection method: clinical testing. Allele origin: germline. Affected: yes. Observed: 1 variant allele.
Comment: SIX5: BP4, BP7